The following is an entry in ClinVar:

ClinVar aggregate classification (germline): Uncertain significance (1 of 4 stars; one submission).

Conditions:
Catecholaminergic polymorphic ventricular tachycardia 1. Also called: RYR2-Related Catecholaminergic Polymorphic Ventricular Tachycardia; VENTRICULAR TACHYCARDIA, STRESS-INDUCED POLYMORPHIC 1; VENTRICULAR TACHYCARDIA, CATECHOLAMINERGIC POLYMORPHIC, 1, WITH OR WITHOUT ATRIAL DYSFUNCTION AND/OR DILATED CARDIOMYOPATHY. Identifiers: Orphanet 3286, MedGen C1631597, MONDO:0011484, OMIM 604772.

Submission:

Labcorp Genetics (formerly Invitae), Labcorp
Classification: Uncertain significance for Catecholaminergic polymorphic ventricular tachycardia 1. Last evaluated: 2021-02-18. Review status: criteria provided, single submitter. Criteria: Invitae Variant Classification Sherloc (09022015). Collection method: clinical testing. Allele origin: germline.
Comment: In summary, the available evidence is currently insufficient to determine the role of this variant in disease. Therefore, it has been classified as a Variant of Uncertain Significance. Algorithms developed to predict the effect of missense changes on protein structure and function are either unavailable or do not agree on the potential impact of this missense change (SIFT: "Tolerated"; PolyPhen-2: "Possibly Damaging"; Align-GVGD: "Class C0"). This variant has not been reported in the literature in individuals with TRDN-related conditions. This sequence change replaces serine with cysteine at codon 300 of the TRDN protein (p.Ser300Cys). The serine residue is moderately conserved and there is a moderate physicochemical difference between serine and cysteine. This variant is not present in population databases (ExAC no frequency).

NM_006073.4(TRDN):c.899C>G (p.Ser300Cys)

Genes: TRDN (triadin; minus strand), TRDN-AS1 (TRDN antisense RNA 1; plus strand). Cytogenetic location: 6q22.31.
Variant type: single nucleotide variant.
Coding change: c.899C>G on transcript NM_006073.4 (MANE Select); coding-DNA position 899, C replaced by G.
Protein change: p.Ser300Cys; replaces serine 300 with cysteine.
Molecular consequence: missense variant.
Genome position (GRCh38, 1-based): chr6:123,464,938, G>C on the plus strand (C>G on the coding strand, the complement: TRDN is on the minus strand). VCF-style: chr6-123464938-G-C. GRCh37 (hg19) VCF-style: chr6-123786083-G-C.
Other names: c.899C>G, p.Ser300Cys (NM_001251987.2); c.839C>G, p.Ser280Cys (NM_001256020.2); short protein forms S300C, S280C.
Identifiers: ClinVar variation 1410469 (VCV001410469.9), dbSNP rs2114709180, ClinGen allele CA365566916.